The following is an entry in ClinVar:

ClinVar aggregate classification (germline): Likely pathogenic (1 of 4 stars; one submission).

Submission:

Mayo Clinic Laboratories, Mayo Clinic
Classification: Likely pathogenic. Last evaluated: 2020-03-27. Review status: criteria provided, single submitter. Criteria: ACMG Guidelines, 2015. Collection method: clinical testing. Allele origin: germline. Observed: 1 variant allele.
Comment: PVS1, PM2

NM_014946.4(SPAST):c.1088_1089insAT (p.Leu363_Arg364insTer)

Gene: SPAST (spastin; plus strand). Cytogenetic location: 2p22.3.
Variant type: Insertion.
Coding change: c.1088_1089insAT on transcript NM_014946.4 (MANE Select); coding-DNA positions 1088 to 1089, AT inserted.
Protein change: p.Leu363_Arg364insTer.
Molecular consequence: frameshift variant.
Genome position: GRCh38 VCF-style: chr2-32116201-C-CTA. GRCh37 (hg19) VCF-style: chr2-32341270-C-CTA.
Other names: c.1085_1086insAT, p.Leu362_Arg363insTer (NM_001363823.2); c.989_990insAT, p.Leu330_Arg331insTer (NM_001363875.2); c.992_993insAT, p.Leu331_Arg332insTer (NM_001377959.1, NM_199436.2).
Identifiers: ClinVar variation 1162922 (VCV001162922.5), dbSNP rs2148734605, ClinGen allele CA2499215902.